The following is an entry in ClinVar:

ClinVar aggregate classification (germline): Uncertain significance (1 of 4 stars; one submission).

Conditions:
Candidiasis, familial, 9 (CANDF9). Identifiers: Orphanet 1334, MedGen C4225324, MONDO:0014642, OMIM 616445.

gnomAD v4.1: 5 of 1,607,632 alleles (0.00031%); highest among the groups gnomAD compares: Admixed American, 0.005%; no homozygotes.

Submission:

Labcorp Genetics (formerly Invitae), Labcorp
Classification: Uncertain significance for Candidiasis, familial, 9. Last evaluated: 2025-10-21. Review status: criteria provided, single submitter. Criteria: Invitae Variant Classification Sherloc (09022015). Collection method: clinical testing. Allele origin: germline.
Comment: This sequence change affects codon 771 of the IL17RC mRNA. It is a 'silent' change, meaning that it does not change the encoded amino acid sequence of the IL17RC protein. The frequency data for this variant in the population databases is considered unreliable, as metrics indicate poor data quality at this position in the gnomAD database. This variant has not been reported in the literature in individuals affected with IL17RC-related conditions. ClinVar contains an entry for this variant (Variation ID: 3609524). Algorithms developed to predict the effect of sequence changes on RNA splicing suggest that this variant may create or strengthen a splice site. In summary, the available evidence is currently insufficient to determine the role of this variant in disease. Therefore, it has been classified as a Variant of Uncertain Significance.

NM_153460.4(IL17RC):c.2100G>T (p.Gly700=)

Genes: IL17RC (interleukin 17 receptor C; plus strand), LOC129936144 (ATAC-STARR-seq lymphoblastoid silent region 14051; plus strand). Cytogenetic location: 3p25.3.
Variant type: single nucleotide variant.
Coding change: c.2100G>T on transcript NM_153460.4 (MANE Select); coding-DNA position 2100, G replaced by T.
Protein change: p.Gly700=; no amino-acid change (glycine 700 retained).
Molecular consequence: synonymous variant. On other transcripts: non-coding transcript variant (1).
Genome position (GRCh38, 1-based): chr3:9,933,530, G>T. VCF-style: chr3-9933530-G-T. GRCh37 (hg19) VCF-style: chr3-9975214-G-T.
Other names: c.2061G>T, p.Gly687= (NM_001203263.2); c.2010G>T, p.Gly670= (NM_001203264.2); c.2004G>T, p.Gly668= (NM_001203265.2); c.2022G>T, p.Gly674= (NM_001367278.1); c.1941G>T, p.Gly647= (NM_001367279.1); c.2016G>T, p.Gly672= (NM_001367280.1); c.1965G>T, p.Gly655= (NM_001410711.1); c.2055G>T, p.Gly685= (NM_032732.6); and 1 more.
Identifiers: ClinVar variation 3609524 (VCV003609524.2).